The following is an entry in ClinVar:

NM_014239.4(EIF2B2):c.871C>T (p.Pro291Ser)

Gene: EIF2B2 (eukaryotic translation initiation factor 2B subunit beta; plus strand). Cytogenetic location: 14q24.3.
Variant type: single nucleotide variant.
Coding change: c.871C>T on transcript NM_014239.4 (MANE Select); coding-DNA position 871, C replaced by T.
Protein change: p.Pro291Ser; replaces proline 291 with serine.
Molecular consequence: missense variant.
Genome position (GRCh38, 1-based): chr14:75,007,761, C>T. VCF-style: chr14-75007761-C-T. GRCh37 (hg19) VCF-style: chr14-75474464-C-T.
Other names: short protein forms P291S.
Identifiers: ClinVar variation 2691460 (VCV002691460.4), dbSNP rs113994017, ClinGen allele CA263656096.
Genomic context (GRCh38, chr14:75,007,761, plus strand): 5'-TATAAATTTTTTCCTTTTTAGTTCCCCAATGAAGAAGACTCATTTCATAAGTTTGTGGCT[C>T]CTGAAGAAGTCCTGCCATTCACAGAAGGTACAGAAGCTGTGTGTGCATGCGTGCATGTGT-3'
Protein context (NP_055054.1, residues 281-301): EEDSFHKFVA[Pro291Ser]EEVLPFTEGD

ClinVar aggregate classification (germline): Pathogenic. Review status: criteria provided, multiple submitters, no conflicts (2 of 4 stars). 2 submissions from 2 submitters: Pathogenic (2). Last evaluated 2023-12-04.

Conditions:
Vanishing white matter disease. Also called: CACH syndrome; Childhood ataxia with diffuse central nervous system hypomyelination; Leukoencephalopathy with vanishing white matter; CACH/VWM syndrome; Cree leukoencehalopathy. Identifiers: Orphanet 135, Orphanet 99853, MedGen C1858991, MONDO:0800448.

Allele frequency attached by ClinVar (database versions not stated): gnomAD exomes below 0.00001.

Submissions (2):

Women's Health and Genetics/Laboratory Corporation of America, LabCorp
Classification: Pathogenic for Vanishing white matter disease. Last evaluated: 2023-12-04. Review status: criteria provided, single submitter. Criteria: LabCorp Variant Classification Summary - May 2015. Collection method: clinical testing. Allele origin: germline.
Comment: Variant summary: EIF2B2 c.871C>T (p.Pro291Ser) results in a non-conservative amino acid change in the encoded protein sequence. Five of five in-silico tools predict a damaging effect of the variant on protein function. The variant was absent in 251398 control chromosomes (gnomAD). c.871C>T has been reported in the literature in multiple individuals affected with Leukoencephalopathy With Vanishing White Matter who were compound heterozygous with other pathogenic/likely pathogenic variants (van der Knaap_2003, Slynko_2021). These data indicate that the variant is very likely to be associated with disease. The following publications have been ascertained in the context of this evaluation (PMID: 33432707, 14566705). No submitters have cited clinical-significance assessments for this variant to ClinVar after 2014. Based on the evidence outlined above, the variant was classified as pathogenic.

Labcorp Genetics (formerly Invitae), Labcorp
Classification: Pathogenic. Last evaluated: 2023-02-14. Review status: criteria provided, single submitter. Criteria: Invitae Variant Classification Sherloc (09022015). Collection method: clinical testing. Allele origin: germline.
Comment: Experimental studies have shown that this missense change affects EIF2B2 function (PMID: 21560189). For these reasons, this variant has been classified as Pathogenic. Advanced modeling of protein sequence and biophysical properties (such as structural, functional, and spatial information, amino acid conservation, physicochemical variation, residue mobility, and thermodynamic stability) performed at Invitae indicates that this missense variant is not expected to disrupt EIF2B2 protein function. This missense change has been observed in individual(s) with leukoencephalopathy with vanishing white matter (PMID: 14566705). In at least one individual the data is consistent with being in trans (on the opposite chromosome) from a pathogenic variant. It has also been observed to segregate with disease in related individuals. This variant is not present in population databases (gnomAD no frequency). This sequence change replaces proline, which is neutral and non-polar, with serine, which is neutral and polar, at codon 291 of the EIF2B2 protein (p.Pro291Ser).

Literature cited by the submitters: PubMed 33432707 (cited by Women's Health and Genetics/Laboratory Corporation of America, LabCorp); PubMed 14566705 (cited by Women's Health and Genetics/Laboratory Corporation of America, LabCorp and Labcorp Genetics (formerly Invitae), Labcorp); PubMed 21560189 (cited by Labcorp Genetics (formerly Invitae), Labcorp).